The following is an entry in ClinVar:

NM_004329.3(BMPR1A):c.734A>T (p.Tyr245Phe)

Gene: BMPR1A (bone morphogenetic protein receptor type 1A; plus strand). Cytogenetic location: 10q23.2.
Variant type: single nucleotide variant.
Coding change: c.734A>T on transcript NM_004329.3 (MANE Select); coding-DNA position 734, A replaced by T.
Protein change: p.Tyr245Phe; replaces tyrosine 245 with phenylalanine.
Molecular consequence: missense variant.
Genome position (GRCh38, 1-based): chr10:86,917,192, A>T. VCF-style: chr10-86917192-A-T. GRCh37 (hg19) VCF-style: chr10-88676949-A-T.
Other names: short protein forms Y245F.
Identifiers: ClinVar variation 661464 (VCV000661464.12), dbSNP rs1589290688, ClinGen allele CA377457367.

ClinVar aggregate classification (germline): Uncertain significance. Review status: criteria provided, multiple submitters, no conflicts (2 of 4 stars). 2 submissions from 2 submitters: Uncertain significance (2). Last evaluated 2023-11-17.

Conditions:
Hereditary cancer-predisposing syndrome. Also called: Neoplastic Syndromes, Hereditary; Hereditary neoplastic syndrome; Tumor predisposition; Hereditary Cancer Syndrome. Identifiers: Orphanet 140162, MedGen C0027672, MeSH D009386, MONDO:0015356.
Juvenile polyposis syndrome (JPS). Identifiers: Orphanet 2929, MedGen C0345893, MONDO:0017380, OMIM 174900.

Submissions (2):

Ambry Genetics
Classification: Uncertain significance for Hereditary cancer-predisposing syndrome. Last evaluated: 2023-11-17. Review status: criteria provided, single submitter. Criteria: Ambry Variant Classification Scheme 2023. Collection method: clinical testing. Allele origin: germline.
Comment: The p.Y245F variant (also known as c.734A>T), located in coding exon 7 of the BMPR1A gene, results from an A to T substitution at nucleotide position 734. The tyrosine at codon 245 is replaced by phenylalanine, an amino acid with highly similar properties. This amino acid position is highly conserved in available vertebrate species. In addition, the in silico prediction for this alteration is inconclusive. Since supporting evidence is limited at this time, the clinical significance of this alteration remains unclear.

Labcorp Genetics (formerly Invitae), Labcorp
Classification: Uncertain significance for Juvenile polyposis syndrome. Last evaluated: 2022-07-12. Review status: criteria provided, single submitter. Criteria: Invitae Variant Classification Sherloc (09022015). Collection method: clinical testing. Allele origin: germline.
Comment: This sequence change replaces tyrosine, which is neutral and polar, with phenylalanine, which is neutral and non-polar, at codon 245 of the BMPR1A protein (p.Tyr245Phe). This variant is not present in population databases (gnomAD no frequency). This variant has not been reported in the literature in individuals affected with BMPR1A-related conditions. ClinVar contains an entry for this variant (Variation ID: 661464). Advanced modeling of protein sequence and biophysical properties (such as structural, functional, and spatial information, amino acid conservation, physicochemical variation, residue mobility, and thermodynamic stability) performed at Invitae indicates that this missense variant is not expected to disrupt BMPR1A protein function. In summary, the available evidence is currently insufficient to determine the role of this variant in disease. Therefore, it has been classified as a Variant of Uncertain Significance.